The following is an entry in ClinVar:

NM_003664.5(AP3B1):c.1297A>G (p.Thr433Ala)

Gene: AP3B1 (adaptor related protein complex 3 subunit beta 1; minus strand). Cytogenetic location: 5q14.1.
Variant type: single nucleotide variant.
Coding change: c.1297A>G on transcript NM_003664.5 (MANE Select); coding-DNA position 1297, A replaced by G.
Protein change: p.Thr433Ala; replaces threonine 433 with alanine.
Molecular consequence: missense variant.
Genome position (GRCh38, 1-based): chr5:78,162,885, T>C on the plus strand (A>G on the coding strand, the complement: AP3B1 is on the minus strand). VCF-style: chr5-78162885-T-C. GRCh37 (hg19) VCF-style: chr5-77458709-T-C.
Other names: c.1297A>G (NM_003664.3); c.1150A>G, p.Thr384Ala (NM_001271769.2); c.1297A>G, p.Thr433Ala (NM_001410752.1); short protein forms T384A, T433A.
Identifiers: ClinVar variation 1947221 (VCV001947221.3), dbSNP rs1451635969, ClinGen allele CA360190028.
Genomic context (GRCh38, chr5:78,162,885, plus strand): 5'-TGTTGGACAGCAGACAGACCAAGCCATTGAGGCACGTGTCAGTGACTTCCAAGATGTTGG[T>C]TGCACATCTGCCTATAGTCTGAATAGTGGCTGCTGCAAATTGTTTATCCTGGCTTTTCAC-3'
Protein context (NP_003655.3, residues 423-443): ATIQTIGRCA[Thr433Ala]NILEVTDTCL

ClinVar aggregate classification (germline): Uncertain significance. Review status: criteria provided, multiple submitters, no conflicts (2 of 4 stars). 2 submissions from 2 submitters: Uncertain significance (2). Last evaluated 2024-12-10.

Conditions:
Inborn genetic diseases. Identifiers: MedGen C0950123, MeSH D030342.
Hermansky-Pudlak syndrome 2 (HPS2). Also called: Platelet defects and oculocutaneous albinism. Identifiers: Orphanet 183678, Orphanet 79430, MedGen C1842362, MONDO:0011997, OMIM 608233.

Allele frequency attached by ClinVar (database versions not stated): gnomAD exomes 0.00001.
gnomAD v4.1: 10 of 1,613,636 alleles (0.00062%); highest among the groups gnomAD compares: East Asian, 0.0022%; no homozygotes.

Submissions (2):

Ambry Genetics
Classification: Uncertain significance for Inborn genetic diseases. Last evaluated: 2024-12-10. Review status: criteria provided, single submitter. Criteria: Ambry Variant Classification Scheme 2023. Collection method: clinical testing. Allele origin: germline.

Labcorp Genetics (formerly Invitae), Labcorp
Classification: Uncertain significance for Hermansky-Pudlak syndrome 2. Last evaluated: 2022-08-15. Review status: criteria provided, single submitter. Criteria: Invitae Variant Classification Sherloc (09022015). Collection method: clinical testing. Allele origin: germline.
Comment: This sequence change replaces threonine, which is neutral and polar, with alanine, which is neutral and non-polar, at codon 433 of the AP3B1 protein (p.Thr433Ala). This variant is present in population databases (no rsID available, gnomAD 0.006%). This variant has not been reported in the literature in individuals affected with AP3B1-related conditions. Algorithms developed to predict the effect of missense changes on protein structure and function (SIFT, PolyPhen-2, Align-GVGD) all suggest that this variant is likely to be tolerated. In summary, the available evidence is currently insufficient to determine the role of this variant in disease. Therefore, it has been classified as a Variant of Uncertain Significance.